The following is an entry in ClinVar:

ClinVar aggregate classification (germline): Uncertain significance. Review status: criteria provided, multiple submitters, no conflicts (2 of 4 stars). 2 submissions from 2 submitters: Uncertain significance (2). Last evaluated 2022-08-15.

Conditions:
Inborn genetic diseases. Identifiers: MedGen C0950123, MeSH D030342.

Allele frequency attached by ClinVar (database versions not stated): gnomAD 0.00001; TOPMed 0.00001; gnomAD exomes 0.00002; ExAC 0.00002.
gnomAD v4.1: 6 of 1,590,652 alleles (0.00038%); highest among the groups gnomAD compares: Admixed American, 0.01%; no homozygotes.

Submissions (2):

Labcorp Genetics (formerly Invitae), Labcorp
Classification: Uncertain significance. Last evaluated: 2022-08-15. Review status: criteria provided, single submitter. Criteria: Invitae Variant Classification Sherloc (09022015). Collection method: clinical testing. Allele origin: germline.
Comment: This sequence change replaces proline, which is neutral and non-polar, with arginine, which is basic and polar, at codon 89 of the ASAH1 protein (p.Pro89Arg). This variant is present in population databases (rs763946344, gnomAD 0.01%). This variant has not been reported in the literature in individuals affected with ASAH1-related conditions. ClinVar contains an entry for this variant (Variation ID: 1392192). Algorithms developed to predict the effect of missense changes on protein structure and function (SIFT, PolyPhen-2, Align-GVGD) all suggest that this variant is likely to be disruptive. In summary, the available evidence is currently insufficient to determine the role of this variant in disease. Therefore, it has been classified as a Variant of Uncertain Significance.

Ambry Genetics
Classification: Uncertain significance for Inborn genetic diseases. Last evaluated: 2021-04-29. Review status: criteria provided, single submitter. Criteria: Ambry Variant Classification Scheme 2023. Collection method: clinical testing. Allele origin: germline.

NM_177924.5(ASAH1):c.266C>G (p.Pro89Arg)

Gene: ASAH1 (N-acylsphingosine amidohydrolase 1; minus strand). Cytogenetic location: 8p22.
Variant type: single nucleotide variant.
Coding change: c.266C>G on transcript NM_177924.5 (MANE Select); coding-DNA position 266, C replaced by G.
Protein change: p.Pro89Arg; replaces proline 89 with arginine.
Molecular consequence: missense variant. On other transcripts: intron variant (1).
Genome position (GRCh38, 1-based): chr8:18,069,829, G>C on the plus strand (C>G on the coding strand, the complement: ASAH1 is on the minus strand). VCF-style: chr8-18069829-G-C. GRCh37 (hg19) VCF-style: chr8-17927338-G-C.
Other names: c.71C>G, p.Pro24Arg (NM_001363743.2); c.314C>G, p.Pro105Arg (NM_004315.6); c.285+1471C>G (NM_001127505.3); c.266C>G (NM_177924.3); short protein forms P89R, P105R, P24R.
Identifiers: ClinVar variation 1392192 (VCV001392192.6), dbSNP rs763946344, ClinGen allele CA4650944.